The following is an entry in ClinVar:

NM_001277115.2(DNAH11):c.2200_2240dup (p.Leu747delinsPhePheTer)

Gene: DNAH11 (dynein axonemal heavy chain 11; plus strand). Cytogenetic location: 7p15.3.
Variant type: Duplication.
Coding change: c.2200_2240dup on transcript NM_001277115.2 (MANE Select); coding-DNA positions 2200 to 2240, 41 bases duplicated.
Protein change: p.Leu747delinsPhePheTer.
Molecular consequence: nonsense.
Genome position (GRCh38, 1-based): chr7:21,590,948-21,590,988, 41 bases duplicated; duplicating any 41 consecutive bases within chr7:21,590,947-21,590,988 gives the same sequence; the c. name uses the placement nearest the transcript's 3' end. GRCh37 (hg19): chr7:21,630,566-21,630,606.
Identifiers: ClinVar variation 642434 (VCV000642434.1), dbSNP rs1583508118, ClinGen allele CA915944891.

ClinVar aggregate classification (germline): Pathogenic (1 of 4 stars; one submission).

Conditions:
Primary ciliary dyskinesia. Also called: Ciliary dyskinesia. Identifiers: Orphanet 244, MedGen C0008780, MONDO:0016575, HP:0012265.

Submission:

Labcorp Genetics (formerly Invitae), Labcorp
Classification: Pathogenic for Primary ciliary dyskinesia. Last evaluated: 2018-11-02. Review status: criteria provided, single submitter. Criteria: Invitae Variant Classification Sherloc (09022015). Collection method: clinical testing. Allele origin: germline.
Comment: This sequence change creates a premature translational stop signal (p.Leu747Phefs*3) in the DNAH11 gene. It is expected to result in an absent or disrupted protein product. This variant is not present in population databases (ExAC no frequency). Algorithms developed to predict the effect of sequence changes on RNA splicing suggest that this variant may create or strengthen a splice site, but this prediction has not been confirmed by published transcriptional studies. Loss-of-function variants in DNAH11 are known to be pathogenic (PMID: 18022865, 20513915, 22184204). For these reasons, this variant has been classified as Pathogenic.